The following is an entry in ClinVar:

ClinVar aggregate classification (germline): Uncertain significance. Review status: criteria provided, multiple submitters, no conflicts (2 of 4 stars). 4 submissions from 4 submitters: Uncertain significance (4). Last evaluated 2024-03-25.

Conditions:
Inborn genetic diseases. Identifiers: MedGen C0950123, MeSH D030342.
Paramyotonia congenita of Von Eulenburg. Also called: PARALYSIS PERIODICA PARAMYOTONICA; Paramyotonia Congenita; Eulenburg disease; Myotonia congenita intermittens; Von Eulenburg paramyotonia congenita. Identifiers: Orphanet 684, MedGen C0221055, MONDO:0008195, OMIM 168300. Disease mechanism: loss of function.
Congenital myasthenic syndrome 16. Identifiers: Orphanet 590, MedGen C3280112, MONDO:0013620, OMIM 614198.
Potassium-aggravated myotonia. Also called: MYOTONIA CONGENITA, ACETAZOLAMIDE-RESPONSIVE; MYOTONIA CONGENITA, ATYPICAL; SODIUM CHANNEL MUSCLE DISEASE; Myotonia congenita, atypical, acetazolamide-responsive. Identifiers: Orphanet 612, Orphanet 99734, Orphanet 99735, Orphanet 99736, MedGen C2931826, MONDO:0018959, OMIM 608390.
Hypokalemic periodic paralysis, type 2 (HOKPP2). Identifiers: Orphanet 681, MedGen C2750061, MONDO:0013234, OMIM 613345.
Hyperkalemic periodic paralysis. Also called: Familial hyperkalemic periodic paralysis; Gamstorp disease. Identifiers: Orphanet 682, MedGen C0238357, MONDO:0008224, OMIM 170500, HP:0007215.
Congenital myopathy 22A, classic (CMYO22A). Identifiers: MedGen C5830453, MONDO:0957247, OMIM 620351.
Congenital myopathy 22B, severe fetal (CMYO22B). Identifiers: MedGen C5830501, MONDO:0957265, OMIM 620369.

Allele frequency attached by ClinVar (database versions not stated): gnomAD exomes 0.00001 and below 0.00001; TOPMed 0.00001.
gnomAD v4.1: 14 of 1,612,746 alleles (0.00087%); highest among the groups gnomAD compares: Non-Finnish European, 0.0012%; no homozygotes.

Submissions (4):

Fulgent Genetics
Classification: Uncertain significance for Paramyotonia congenita of Von Eulenburg; Hyperkalemic periodic paralysis; Potassium-aggravated myotonia; Hypokalemic periodic paralysis, type 2; Congenital myasthenic syndrome 16; Congenital myopathy 22A, classic; Congenital myopathy 22B, severe fetal. Last evaluated: 2024-03-25. Review status: criteria provided, single submitter. Criteria: ACMG Guidelines, 2015. Collection method: clinical testing. Allele origin: germline.

GeneDx
Classification: Uncertain significance. Last evaluated: 2023-10-19. Review status: criteria provided, single submitter. Criteria: GeneDx Variant Classification Process June 2021. Collection method: clinical testing. Allele origin: germline. Affected: yes.
Comment: Not observed at significant frequency in large population cohorts (gnomAD); In silico analysis supports that this missense variant does not alter protein structure/function; Has not been previously published as pathogenic or benign to our knowledge

Labcorp Genetics (formerly Invitae), Labcorp
Classification: Uncertain significance for Hyperkalemic periodic paralysis. Last evaluated: 2023-10-05. Review status: criteria provided, single submitter. Criteria: Invitae Variant Classification Sherloc (09022015). Collection method: clinical testing. Allele origin: germline.
Comment: This sequence change replaces leucine, which is neutral and non-polar, with valine, which is neutral and non-polar, at codon 64 of the SCN4A protein (p.Leu64Val). This variant is present in population databases (no rsID available, gnomAD 0.0009%). This variant has not been reported in the literature in individuals affected with SCN4A-related conditions. ClinVar contains an entry for this variant (Variation ID: 1372465). Advanced modeling of protein sequence and biophysical properties (such as structural, functional, and spatial information, amino acid conservation, physicochemical variation, residue mobility, and thermodynamic stability) has been performed at Invitae for this missense variant, however the output from this modeling did not meet the statistical confidence thresholds required to predict the impact of this variant on SCN4A protein function. In summary, the available evidence is currently insufficient to determine the role of this variant in disease. Therefore, it has been classified as a Variant of Uncertain Significance.

Ambry Genetics
Classification: Uncertain significance for Inborn genetic diseases. Last evaluated: 2023-06-05. Review status: criteria provided, single submitter. Criteria: Ambry Variant Classification Scheme 2023. Collection method: clinical testing. Allele origin: germline.

NM_000334.4(SCN4A):c.190C>G (p.Leu64Val)

Gene: SCN4A (sodium voltage-gated channel alpha subunit 4; minus strand). Cytogenetic location: 17q23.3.
Variant type: single nucleotide variant.
Coding change: c.190C>G on transcript NM_000334.4 (MANE Select); coding-DNA position 190, C replaced by G.
Protein change: p.Leu64Val; replaces leucine 64 with valine.
Molecular consequence: missense variant.
Genome position (GRCh38, 1-based): chr17:63,972,652, G>C on the plus strand (C>G on the coding strand, the complement: SCN4A is on the minus strand). VCF-style: chr17-63972652-G-C. GRCh37 (hg19) VCF-style: chr17-62050012-G-C.
Other names: short protein forms L64V.
Identifiers: ClinVar variation 1372465 (VCV001372465.13), dbSNP rs1480788895, ClinGen allele CA400640281.